The following is an entry in ClinVar:

ClinVar aggregate classification (germline): Uncertain significance (1 of 4 stars; one submission).

Allele frequency attached by ClinVar (database versions not stated): gnomAD exomes below 0.00001.
gnomAD v4.1: 1 of 1,613,624 alleles (0.000062%); highest among the groups gnomAD compares: Non-Finnish European, 0.000085%; no homozygotes.

Submission:

Labcorp Genetics (formerly Invitae), Labcorp
Classification: Uncertain significance. Last evaluated: 2020-09-02. Review status: criteria provided, single submitter. Criteria: Invitae Variant Classification Sherloc (09022015). Collection method: clinical testing. Allele origin: germline.
Comment: This sequence change replaces leucine with valine at codon 2105 of the RP1 protein (p.Leu2105Val). The leucine residue is moderately conserved and there is a small physicochemical difference between leucine and valine. This variant is not present in population databases (ExAC no frequency). This variant has been observed in individual(s) with retinitis pigmentosa (Invitae). Algorithms developed to predict the effect of missense changes on protein structure and function output the following: SIFT: "Tolerated"; PolyPhen-2: "Benign"; Align-GVGD: "Class C0". The valine amino acid residue is found in multiple mammalian species, suggesting that this missense change does not adversely affect protein function. These predictions have not been confirmed by published functional studies and their clinical significance is uncertain. In summary, the available evidence is currently insufficient to determine the role of this variant in disease. Therefore, it has been classified as a Variant of Uncertain Significance.

NM_006269.2(RP1):c.6313C>G (p.Leu2105Val)

Gene: RP1 (RP1 axonemal microtubule associated; plus strand). Cytogenetic location: 8q12.1.
Variant type: single nucleotide variant.
Coding change: c.6313C>G on transcript NM_006269.2 (MANE Select); coding-DNA position 6313, C replaced by G.
Protein change: p.Leu2105Val; replaces leucine 2105 with valine.
Molecular consequence: missense variant. On other transcripts: intron variant (1).
Genome position (GRCh38, 1-based): chr8:54,630,195, C>G. VCF-style: chr8-54630195-C-G. GRCh37 (hg19) VCF-style: chr8-55542755-C-G.
Other names: c.787+7907C>G (NM_001375654.1); short protein forms L2105V.
Identifiers: ClinVar variation 1057955 (VCV001057955.9), dbSNP rs1806215456, ClinGen allele CA370991778.